The following is an entry in ClinVar:

NM_004380.3(CREBBP):c.6369C>T (p.Ser2123=)

Gene: CREBBP (CREB binding lysine acetyltransferase; minus strand). Cytogenetic location: 16p13.3.
Variant type: single nucleotide variant.
Coding change: c.6369C>T on transcript NM_004380.3 (MANE Select); coding-DNA position 6369, C replaced by T.
Protein change: p.Ser2123=; no amino-acid change (serine 2123 retained).
Molecular consequence: synonymous variant.
Genome position (GRCh38, 1-based): chr16:3,728,678, G>A on the plus strand (C>T on the coding strand, the complement: CREBBP is on the minus strand). VCF-style: chr16-3728678-G-A. GRCh37 (hg19) VCF-style: chr16-3778679-G-A.
Other names: c.6255C>T, p.Ser2085= (NM_001079846.1).
Identifiers: ClinVar variation 3350957 (VCV003350957.1).

ClinVar aggregate classification (germline): Likely benign (0 of 4 stars; one submission).

Conditions:
CREBBP-related disorder. Also called: CREBBP-related condition; CREBBP-related disorders.

Submission:

PreventionGenetics, part of Exact Sciences
Classification: Likely benign for CREBBP-related condition. Last evaluated: 2022-05-21. Review status: no assertion criteria provided. Collection method: clinical testing. Allele origin: germline.
Comment: This variant is classified as likely benign based on ACMG/AMP sequence variant interpretation guidelines (Richards et al. 2015 PMID: 25741868, with internal and published modifications).